The following is an entry in ClinVar:

NM_004415.4(DSP):c.6695C>T (p.Thr2232Ile)

Gene: DSP (desmoplakin; plus strand). Cytogenetic location: 6p24.3.
Variant type: single nucleotide variant.
Coding change: c.6695C>T on transcript NM_004415.4 (MANE Select); coding-DNA position 6695, C replaced by T.
Protein change: p.Thr2232Ile; replaces threonine 2232 with isoleucine.
Molecular consequence: missense variant.
Genome position (GRCh38, 1-based): chr6:7,583,957, C>T. VCF-style: chr6-7583957-C-T. GRCh37 (hg19) VCF-style: chr6-7584190-C-T.
Other names: c.4898C>T, p.Thr1633Ile (NM_001008844.3); c.5366C>T, p.Thr1789Ile (NM_001319034.2); short protein forms T1633I, T1789I, T2232I.
Identifiers: ClinVar variation 3386706 (VCV003386706.1).

ClinVar aggregate classification (germline): Uncertain significance (1 of 4 stars; one submission).

Conditions:
Arrhythmogenic cardiomyopathy with wooly hair and keratoderma. Also called: Carvajal syndrome; PALMOPLANTAR KERATODERMA WITH LEFT VENTRICULAR CARDIOMYOPATHY AND WOOLLY HAIR; Dilated cardiomyopathy with woolly hair and keratoderma; Arrhythmogenic cardiomyopathy with woolly hair and keratoderma. Identifiers: Orphanet 65282, MedGen C1854063, MONDO:0011581, OMIM 605676.

gnomAD v4.1: 1 of 1,614,188 alleles (0.000062%); highest among the groups gnomAD compares: East Asian, 0.0022%; no homozygotes.

Submission:

All of Us Research Program, National Institutes of Health
Classification: Uncertain significance for Arrhythmogenic cardiomyopathy with wooly hair and keratoderma. Last evaluated: 2024-04-25. Review status: criteria provided, single submitter. Criteria: ACMG Guidelines, 2015. Collection method: clinical testing. Allele origin: germline. Inheritance: Autosomal dominant inheritance. Observed: 1 variant allele, 1 heterozygote.
Comment: This missense variant replaces threonine with isoleucine at codon 2232 of the DSP protein. Computational prediction suggests that this variant may not impact protein structure and function (internally defined REVEL score threshold <= 0.5, PMID: 27666373). To our knowledge, functional studies have not been reported for this variant. This variant has not been reported in individuals affected with DSP-related disorders in the literature. This variant has not been identified in the general population by the Genome Aggregation Database (gnomAD). The available evidence is insufficient to determine the role of this variant in disease conclusively. Therefore, this variant is classified as a Variant of Uncertain Significance.

This study involves interpretation of variants in research participants for the purpose of population health screening. Participant phenotype was not available at the time of variant classification. Additional details can be found in publication PMID: 35346344, PMCID: PMC8962531